The following is an entry in ClinVar:

ClinVar aggregate classification (germline): Uncertain significance (0 of 4 stars; one submission).

Conditions:
SEMA3D-related disorder. Also called: SEMA3D-related condition.

Submission:

PreventionGenetics, part of Exact Sciences
Classification: Uncertain significance for SEMA3D-related condition. Last evaluated: 2024-05-09. Review status: no assertion criteria provided. Collection method: clinical testing. Allele origin: germline.
Comment: The SEMA3D c.1370T>C variant is predicted to result in the amino acid substitution p.Val457Ala. To our knowledge, this variant has not been reported in the literature or in a large population database, indicating this variant is rare. At this time, the clinical significance of this variant is uncertain due to the absence of conclusive functional and genetic evidence.

NM_001384900.1(SEMA3D):c.1370T>C (p.Val457Ala)

Gene: SEMA3D (semaphorin 3D; minus strand). Cytogenetic location: 7q21.11.
Variant type: single nucleotide variant.
Coding change: c.1370T>C on transcript NM_001384900.1 (MANE Select); coding-DNA position 1370, T replaced by C.
Protein change: p.Val457Ala; replaces valine 457 with alanine.
Molecular consequence: missense variant.
Genome position (GRCh38, 1-based): chr7:85,022,435, A>G on the plus strand (T>C on the coding strand, the complement: SEMA3D is on the minus strand). VCF-style: chr7-85022435-A-G. GRCh37 (hg19) VCF-style: chr7-84651751-A-G.
Other names: c.1370T>C, p.Val457Ala (NM_001384901.1, NM_001384902.1, NM_001384903.1 and 1 more transcripts); short protein forms V457A.
Identifiers: ClinVar variation 3345382 (VCV003345382.1).